The following is an entry in ClinVar:

ClinVar aggregate classification (germline): Uncertain significance (1 of 4 stars; one submission).

Conditions:
Cardiovascular phenotype. Identifiers: MedGen CN230736.

Submission:

Ambry Genetics
Classification: Uncertain significance for Cardiovascular phenotype. Last evaluated: 2022-04-27. Review status: criteria provided, single submitter. Criteria: Ambry Variant Classification Scheme 2023. Collection method: clinical testing. Allele origin: germline.
Comment: The c.14168_14173delAGGAAG variant (also known as p.E4723_E4724del), located in coding exon 53 of the TTN gene, results from an in-frame AGGAAG deletion at nucleotide positions 14168 to 14173. This results in the in-frame deletion of two glutamic acid residues at codons 4723 to 4724. These amino acid positions are highly conserved in available vertebrate species. In addition, this alteration is predicted to be deleterious by in silico analysis (Choi Y et al. PLoS ONE. 2012; 7(10):e46688). Since supporting evidence is limited at this time, the clinical significance of this alteration remains unclear.

NM_001267550.2(TTN):c.41363_41368del (p.Glu13788_Glu13789del)

Gene: TTN (titin; minus strand). Cytogenetic location: 2q31.2.
Variant type: Deletion.
Coding change: c.41363_41368del on transcript NM_001267550.2 (MANE Select); coding-DNA positions 41363 to 41368, 6 bases deleted (AGGAAG; older notation c.41363_41368delAGGAAG).
Protein change: p.Glu13788_Glu13789del.
Molecular consequence: inframe deletion.
Genome position (GRCh38, 1-based): chr2:178,636,203-178,636,208, CTTCCT deleted on the plus strand (AGGAAG on the coding strand, the reverse complement: TTN is on the minus strand); deleting any 6 consecutive bases within chr2:178,636,203-178,636,213 gives the same sequence; the c. name uses the placement nearest the transcript's 3' end. VCF-style (leftmost placement, unchanged base first): chr2-178636202-ACTTCCT-A. GRCh37 (hg19) VCF-style: chr2-179500929-ACTTCCT-A.
Other names: c.36440_36445del, p.Glu12147_Glu12148del (NM_001256850.1); c.14168_14173del, p.Glu4723_Glu4724del (NM_003319.4); c.33659_33664del, p.Glu11220_Glu11221del (NM_133378.4); c.14543_14548del, p.Glu4848_Glu4849del (NM_133432.3); c.14744_14749del, p.Glu4915_Glu4916del (NM_133437.4); c.14168_14173delAGGAAG (NM_003319.4).
Identifiers: ClinVar variation 1772126 (VCV001772126.2), dbSNP rs2060417646, ClinGen allele CA1039714527.
Genomic context (GRCh38, chr2:178,636,202, plus strand): 5'-ACGTCACGCTCTTTGTTTAACTCGCAGCTCAAGTACAATGGCTGTCCTTTGACCACTGTG[ACTTCCT>A]CTTCCAGTGTTTTTACAAAACGCACAGGAAGTTCTATGGAGAATTTCAGTATATATTTCA-3'